The following is an entry in ClinVar:

NM_001005242.3(PKP2):c.1796A>G (p.Lys599Arg)

Gene: PKP2 (plakophilin 2; minus strand). Cytogenetic location: 12p11.21.
Variant type: single nucleotide variant.
Coding change: c.1796A>G on transcript NM_001005242.3 (MANE Select); coding-DNA position 1796, A replaced by G.
Protein change: p.Lys599Arg; replaces lysine 599 with arginine.
Molecular consequence: missense variant.
Genome position (GRCh38, 1-based): chr12:32,822,510, T>C on the plus strand (A>G on the coding strand, the complement: PKP2 is on the minus strand). VCF-style: chr12-32822510-T-C. GRCh37 (hg19) VCF-style: chr12-32975444-T-C.
Other names: c.1928A>G, p.Lys643Arg (NM_004572.4); short protein forms K643R, K599R.
Identifiers: ClinVar variation 464416 (VCV000464416.23), dbSNP rs533659697, ClinGen allele CA031452.

ClinVar aggregate classification (germline): Conflicting classifications of pathogenicity. Review status: criteria provided, conflicting classifications (1 of 4 stars). 5 submissions from 5 submitters: Uncertain significance (3); Likely benign (2). Last evaluated 2025-10-09.

Conditions:
Cardiovascular phenotype. Identifiers: MedGen CN230736.
Cardiomyopathy (CMYO). Also called: Cardiomyopathies. Identifiers: Orphanet 167848, MedGen C0878544, MONDO:0004994, HP:0001638. Inheritance: Various modes of inheritance.
Arrhythmogenic right ventricular dysplasia 9 (ARVD9). Also called: Arrhythmogenic Right Ventricular Dysplasia/Cardiomyopathy 9; ARRHYTHMOGENIC RIGHT VENTRICULAR DYSPLASIA, FAMILIAL, 9. Identifiers: MedGen C1836906, MONDO:0012180, OMIM 609040.

Allele frequency attached by ClinVar (database versions not stated): TOPMed 0.00002; ExAC 0.00003; gnomAD 0.00003; gnomAD exomes 0.00003 and 0.00002.
gnomAD v4.1: 29 of 1,614,140 alleles (0.0018%); highest among the groups gnomAD compares: East Asian, 0.042%; no homozygotes.

Submissions (5):

Labcorp Genetics (formerly Invitae), Labcorp
Classification: Uncertain significance for Arrhythmogenic right ventricular dysplasia 9. Last evaluated: 2025-10-09. Review status: criteria provided, single submitter. Criteria: Invitae Variant Classification Sherloc (09022015). Collection method: clinical testing. Allele origin: germline.
Comment: This sequence change replaces lysine, which is basic and polar, with arginine, which is basic and polar, at codon 643 of the PKP2 protein (p.Lys643Arg). This variant is present in population databases (rs533659697, gnomAD 0.03%). This variant has not been reported in the literature in individuals affected with PKP2-related conditions. ClinVar contains an entry for this variant (Variation ID: 464416). An algorithm developed to predict the effect of missense changes on protein structure and function outputs the following: PolyPhen-2: "Benign". The arginine amino acid residue is found in multiple mammalian species, which suggests that this missense change does not adversely affect protein function. In summary, the available evidence is currently insufficient to determine the role of this variant in disease. Therefore, it has been classified as a Variant of Uncertain Significance.

GeneDx
Classification: Uncertain significance. Last evaluated: 2025-08-05. Review status: criteria provided, single submitter. Criteria: GeneDx Variant Classification Process June 2021. Collection method: clinical testing. Allele origin: germline. Affected: yes.
Comment: In silico analysis suggests that this missense variant does not alter protein structure/function; Has not been previously published as pathogenic or benign to our knowledge

Ambry Genetics
Classification: Likely benign for Cardiovascular phenotype. Last evaluated: 2024-01-04. Review status: criteria provided, single submitter. Criteria: Ambry Variant Classification Scheme 2023. Collection method: clinical testing. Allele origin: germline.

Color Diagnostics, LLC DBA Color Health
Classification: Likely benign for Cardiomyopathy. Last evaluated: 2020-07-15. Review status: criteria provided, single submitter. Criteria: ACMG Guidelines, 2015. Collection method: clinical testing. Allele origin: germline.

ARUP Laboratories, Molecular Genetics and Genomics, ARUP Laboratories
Classification: Uncertain significance. Last evaluated: 2017-06-20. Review status: criteria provided, single submitter. Criteria: ARUP Molecular Germline Variant Investigation Process. Collection method: clinical testing. Allele origin: germline.
Comment: The p.Lys643Arg variant (rs533659697) has not been reported in the medical literature and is not listed in gene-specific variant databases. It is listed in the Genome Aggregation Database (gnomAD) browser with a frequency in East Asian populations of 0.03% (identified in 6 out of 17,242 chromosomes). The lysine at codon 643 is moderately conserved considering 8 species (Alamut software v2.9), and computational analyses suggest this variant does not have a significant effect on PKP2 protein structure/function (SIFT: tolerated, PolyPhen2: benign, and Mutation Taster: polymorphism). However, based on the available information, the clinical significance of the p.Lys643Arg variant cannot be determined with certainty.